The following is an entry in ClinVar:

ClinVar aggregate classification (germline): Uncertain significance (1 of 4 stars; one submission).

Conditions:
Hereditary pancreatitis (PCTT). Also called: Hereditary chronic pancreatitis; PRSS1-Related Hereditary Pancreatitis. Identifiers: Orphanet 676, MedGen C0238339, MONDO:0008185, OMIM 167800.

Submission:

Ambry Genetics
Classification: Uncertain significance for Hereditary pancreatitis. Last evaluated: 2022-11-18. Review status: criteria provided, single submitter. Criteria: Ambry Variant Classification Scheme 2023. Collection method: clinical testing. Allele origin: germline.
Comment: The p.T5P variant (also known as c.13A>C), located in coding exon 1 of the CTRC gene, results from an A to C substitution at nucleotide position 13. The threonine at codon 5 is replaced by proline, an amino acid with highly similar properties. This amino acid position is conserved. In addition, this alteration is predicted to be tolerated by in silico analysis. Since supporting evidence is limited at this time, the clinical significance of this alteration remains unclear.

NM_007272.3(CTRC):c.13A>C (p.Thr5Pro)

Gene: CTRC (chymotrypsin C; plus strand). Cytogenetic location: 1p36.21.
Variant type: single nucleotide variant.
Coding change: c.13A>C on transcript NM_007272.3 (MANE Select); coding-DNA position 13, A replaced by C.
Protein change: p.Thr5Pro; replaces threonine 5 with proline.
Molecular consequence: missense variant.
Genome position (GRCh38, 1-based): chr1:15,438,477, A>C. VCF-style: chr1-15438477-A-C. GRCh37 (hg19) VCF-style: chr1-15764973-A-C.
Other names: short protein forms T5P.
Identifiers: ClinVar variation 2449709 (VCV002449709.2), dbSNP rs933703, ClinGen allele CA338563586.